The following is an entry in ClinVar:

ClinVar aggregate classification (germline): Likely benign. Review status: criteria provided, multiple submitters, no conflicts (2 of 4 stars). 5 submissions from 5 submitters: Likely benign (4). 1 of the submissions does not count toward it. Last evaluated 2025-03-03.

Conditions:
PRRT2-Related Disorder. Also called: PRRT2-related disorders. Identifiers: MedGen CN381059.
Episodic kinesigenic dyskinesia (EKD). Also called: Paroxysmal kinesigenic dyskinesia. Identifiers: Orphanet 98809, MedGen C1868682, MONDO:0044202.

Allele frequency attached by ClinVar (database versions not stated): gnomAD 0.00002; TOPMed 0.00003; gnomAD exomes 0.00005 and 0.00013; ExAC 0.00008.
gnomAD v4.1: 185 of 1,603,776 alleles (0.012%); highest among the groups gnomAD compares: South Asian, 0.026%; 1 homozygote.

Submissions (5):

Labcorp Genetics (formerly Invitae), Labcorp
Classification: Likely benign for Episodic kinesigenic dyskinesia. Last evaluated: 2025-03-03. Review status: criteria provided, single submitter. Criteria: Invitae Variant Classification Sherloc (09022015). Collection method: clinical testing. Allele origin: germline.

CeGaT Center for Human Genetics Tuebingen
Classification: Likely benign. Last evaluated: 2025-01-01. Review status: criteria provided, single submitter. Criteria: CeGaT Center For Human Genetics Tuebingen Variant Classification Criteria Version 2. Collection method: clinical testing. Allele origin: germline. Affected: yes. Observed: 2 variant alleles.
Comment: PRRT2: BP4

Blueprint Genetics
Classification: Likely benign. Last evaluated: 2023-06-29. Review status: criteria provided, single submitter. Criteria: ACMG Guidelines, 2015. Collection method: clinical testing. Allele origin: germline.

GeneDx
Classification: Likely benign. Last evaluated: 2020-11-11. Review status: criteria provided, single submitter. Criteria: GeneDx Variant Classification Process June 2021. Collection method: clinical testing. Allele origin: germline. Affected: yes.

PreventionGenetics, part of Exact Sciences
Classification: Likely benign for PRRT2-related condition. Last evaluated: 2024-04-02. Review status: no assertion criteria provided. Collection method: clinical testing. Allele origin: germline. Not counted in ClinVar's aggregate classification.
Comment: This variant is classified as likely benign based on ACMG/AMP sequence variant interpretation guidelines (Richards et al. 2015 PMID: 25741868, with internal and published modifications).

NM_145239.3(PRRT2):c.997G>A (p.Val333Ile)

Genes: MVP-DT (MVP divergent transcript; minus strand), PRRT2 (proline rich transmembrane protein 2; plus strand). Cytogenetic location: 16p11.2.
Variant type: single nucleotide variant.
Coding change: c.997G>A on transcript NM_145239.3 (MANE Select); coding-DNA position 997, G replaced by A.
Protein change: p.Val333Ile; replaces valine 333 with isoleucine.
Molecular consequence: missense variant. On other transcripts: 3 prime UTR variant (1).
Genome position (GRCh38, 1-based): chr16:29,814,450, G>A. VCF-style: chr16-29814450-G-A. GRCh37 (hg19) VCF-style: chr16-29825771-G-A.
Other names: c.997G>A, p.Val333Ile (NM_001256442.2); c.*496G>A (NM_001256443.2); c.997G>A (NM_001256442.1); short protein forms V333I.
Identifiers: ClinVar variation 536486 (VCV000536486.36), dbSNP rs749851660, ClinGen allele CA7994638.